The following is an entry in ClinVar:

ClinVar aggregate classification (germline): Benign/Likely benign. Review status: criteria provided, multiple submitters, no conflicts (2 of 4 stars). 4 submissions from 4 submitters: Benign (3); Likely benign (1). Last evaluated 2026-01-27.

Allele frequency attached by ClinVar (database versions not stated): 1000 Genomes Project 0.00040; 1000 Genomes Project 30x 0.00062; ESP Exome Variant Server 0.00085; gnomAD 0.00133 and 0.00135; TOPMed 0.00150; ExAC 0.00151; gnomAD exomes 0.00173.
gnomAD v4.1: 1,442 of 1,614,102 alleles (0.089%); highest among the groups gnomAD compares: Middle Eastern, 0.35%; 12 homozygotes.

Submissions (4):

Labcorp Genetics (formerly Invitae), Labcorp
Classification: Benign. Last evaluated: 2026-01-27. Review status: criteria provided, single submitter. Criteria: Invitae Variant Classification Sherloc (09022015). Collection method: clinical testing. Allele origin: germline.

CeGaT Center for Human Genetics Tuebingen
Classification: Likely benign. Last evaluated: 2024-07-01. Review status: criteria provided, single submitter. Criteria: CeGaT Center For Human Genetics Tuebingen Variant Classification Criteria Version 2. Collection method: clinical testing. Allele origin: germline. Affected: yes. Observed: 3 variant alleles.
Comment: GPD1: BP4

GeneDx
Classification: Benign. Last evaluated: 2019-06-07. Review status: criteria provided, single submitter. Criteria: GeneDx Variant Classification Process June 2021. Collection method: clinical testing. Allele origin: germline. Affected: yes.

Breakthrough Genomics
Classification: Benign. Review status: criteria provided, single submitter. Criteria: ACMG Guidelines, 2015. Collection method: not provided. Allele origin: germline. Inheritance: Autosomal recessive inheritance. Affected: yes.

NM_005276.4(GPD1):c.159C>A (p.Ile53=)

Gene: GPD1 (glycerol-3-phosphate dehydrogenase 1; plus strand). Cytogenetic location: 12q13.12.
Variant type: single nucleotide variant.
Coding change: c.159C>A on transcript NM_005276.4 (MANE Select); coding-DNA position 159, C replaced by A.
Protein change: p.Ile53=; no amino-acid change (isoleucine 53 retained).
Molecular consequence: synonymous variant.
Genome position (GRCh38, 1-based): chr12:50,104,691, C>A. VCF-style: chr12-50104691-C-A. GRCh37 (hg19) VCF-style: chr12-50498474-C-A.
Other names: c.159C>A, p.Ile53= (NM_001257199.2).
Identifiers: ClinVar variation 703255 (VCV000703255.39), dbSNP rs151113100, ClinGen allele CA6561460.